The following is an entry in ClinVar:

ClinVar aggregate classification (germline): Uncertain significance. Review status: criteria provided, multiple submitters, no conflicts (2 of 4 stars). 4 submissions from 4 submitters: Uncertain significance (4). Last evaluated 2025-09-12.

Conditions:
Inborn genetic diseases. Identifiers: MedGen C0950123, MeSH D030342.

Allele frequency attached by ClinVar (database versions not stated): gnomAD exomes 0.00002 and 0.00011; gnomAD 0.00001; TOPMed 0.00004; ExAC 0.00006.
gnomAD v4.1: 31 of 1,610,278 alleles (0.0019%); highest among the groups gnomAD compares: Admixed American, 0.052%; no homozygotes.

Submissions (4):

GeneDx
Classification: Uncertain significance. Last evaluated: 2025-09-12. Review status: criteria provided, single submitter. Criteria: GeneDx Variant Classification Process June 2021. Collection method: clinical testing. Allele origin: germline. Affected: yes.
Comment: Identified in a patient with sensorineural hearing loss in published literature (PMID: 40069133) but additional evidence is not available; In silico analysis supports that this missense variant has a deleterious effect on protein structure/function; This variant is associated with the following publications: (PMID: 40069133)

Ambry Genetics
Classification: Uncertain significance for Inborn genetic diseases. Last evaluated: 2022-09-29. Review status: criteria provided, single submitter. Criteria: Ambry Variant Classification Scheme 2023. Collection method: clinical testing. Allele origin: germline.

Labcorp Genetics (formerly Invitae), Labcorp
Classification: Uncertain significance. Last evaluated: 2021-09-17. Review status: criteria provided, single submitter. Criteria: Invitae Variant Classification Sherloc (09022015). Collection method: clinical testing. Allele origin: germline.
Comment: This sequence change replaces alanine with threonine at codon 341 of the GPSM2 protein (p.Ala341Thr). The alanine residue is highly conserved and there is a small physicochemical difference between alanine and threonine. This variant is present in population databases (rs727505313, ExAC 0.06%). This variant has not been reported in the literature in individuals with GPSM2-related conditions. ClinVar contains an entry for this variant (Variation ID: 180049). Algorithms developed to predict the effect of missense changes on protein structure and function (SIFT, PolyPhen-2, Align-GVGD) all suggest that this variant is likely to be disruptive, but these predictions have not been confirmed by published functional studies and their clinical significance is uncertain. In summary, the available evidence is currently insufficient to determine the role of this variant in disease. Therefore, it has been classified as a Variant of Uncertain Significance.

Laboratory for Molecular Medicine, Mass General Brigham Personalized Medicine
Classification: Uncertain significance. Last evaluated: 2014-10-27. Review status: criteria provided, single submitter. Criteria: LMM Criteria. Collection method: clinical testing. Allele origin: germline. Observed: 1 variant allele.
Comment: The p.Ala341Thr variant in GPSM2 gene has not been previously reported in indivi duals with hearing loss or in large population studies. Computational prediction tools and conservation analysis suggest that this variant may impact the protei n, though this information is not predictive enough to determine pathogenicity. In summary, the clinical significance of the p.Ala341Thr variant is uncertain.

NM_013296.5(GPSM2):c.1021G>A (p.Ala341Thr)

Gene: GPSM2 (G protein signaling modulator 2; plus strand). Cytogenetic location: 1p13.3.
Variant type: single nucleotide variant.
Coding change: c.1021G>A on transcript NM_013296.5 (MANE Select); coding-DNA position 1021, G replaced by A.
Protein change: p.Ala341Thr; replaces alanine 341 with threonine.
Molecular consequence: missense variant.
Genome position (GRCh38, 1-based): chr1:108,903,193, G>A. VCF-style: chr1-108903193-G-A. GRCh37 (hg19) VCF-style: chr1-109445815-G-A.
Other names: c.1021G>A, p.Ala341Thr (NM_001321038.2, NM_001321039.3); short protein forms A341T.
Identifiers: ClinVar variation 180049 (VCV000180049.12), dbSNP rs727505313, ClinGen allele CA185711.